The following is an entry in ClinVar:

NM_177924.5(ASAH1):c.147G>A (p.Trp49Ter)

Gene: ASAH1 (N-acylsphingosine amidohydrolase 1; minus strand). Cytogenetic location: 8p22.
Variant type: single nucleotide variant.
Coding change: c.147G>A on transcript NM_177924.5 (MANE Select); coding-DNA position 147, G replaced by A.
Protein change: p.Trp49Ter; replaces tryptophan 49 with a stop codon.
Molecular consequence: nonsense. On other transcripts: 5 prime UTR variant (1).
Genome position (GRCh38, 1-based): chr8:18,071,369, C>T on the plus strand (G>A on the coding strand, the complement: ASAH1 is on the minus strand). VCF-style: chr8-18071369-C-T. GRCh37 (hg19) VCF-style: chr8-17928878-C-T.
Other names: c.216G>A, p.Trp72Ter (NM_001127505.3); c.-49G>A (NM_001363743.2); c.195G>A, p.Trp65Ter (NM_004315.6); c.195G>A (NM_004315.5); short protein forms W49*, W65*, W72*.
Identifiers: ClinVar variation 620456 (VCV000620456.15), dbSNP rs369707059, ClinGen allele CA4651001.

ClinVar aggregate classification (germline): Pathogenic/Likely pathogenic. Review status: criteria provided, multiple submitters, no conflicts (2 of 4 stars). 6 submissions from 6 submitters: Pathogenic (3); Likely pathogenic (3). Last evaluated 2025-11-24.

Conditions:
Spinal muscular atrophy-progressive myoclonic epilepsy syndrome. Also called: Spinal muscular atrophy with progressive myoclonic epilepsy; MYOCLONUS, HEREDITARY, WITH PROGRESSIVE DISTAL MUSCULAR ATROPHY; Spinal Muscular Atrophy with Progressive Myoclonic Epilepsy (SMA-PME); Hereditary myoclonus and progressive distal muscular atrophy. Identifiers: Orphanet 2590, MedGen C1834569, MONDO:0008045, OMIM 159950.
ASAH1-related disorders. Also called: ASAH1-related condition; ASAH1-related disorder. Identifiers: MedGen CN376120, MONDO:0800460.

Allele frequency attached by ClinVar (database versions not stated): ExAC 0.00001; gnomAD exomes 0.00001 and 0.00003; TOPMed 0.00002; gnomAD 0.00003; ESP Exome Variant Server 0.00008.
gnomAD v4.1: 44 of 1,599,126 alleles (0.0028%); highest among the groups gnomAD compares: Non-Finnish European, 0.0037%; no homozygotes.

Submissions (6):

Labcorp Genetics (formerly Invitae), Labcorp
Classification: Pathogenic. Last evaluated: 2025-11-24. Review status: criteria provided, single submitter. Criteria: Invitae Variant Classification Sherloc (09022015). Collection method: clinical testing. Allele origin: germline.
Comment: This sequence change creates a premature translational stop signal (p.Trp49*) in the ASAH1 gene. It is expected to result in an absent or disrupted protein product. Loss-of-function variants in ASAH1 are known to be pathogenic (PMID: 24164096, 24355074). The frequency data for this variant in the population databases is considered unreliable, as metrics indicate poor data quality at this position in the gnomAD database. This variant has not been reported in the literature in individuals affected with ASAH1-related conditions. ClinVar contains an entry for this variant (Variation ID: 620456). Algorithms developed to predict the effect of sequence changes on RNA splicing suggest that this variant may disrupt the consensus splice site. For these reasons, this variant has been classified as Pathogenic.

PreventionGenetics, part of Exact Sciences
Classification: Likely pathogenic for ASAH1-related condition. Last evaluated: 2025-11-14. Review status: criteria provided, single submitter. Criteria: ACMG Guidelines, 2015. Collection method: clinical testing. Allele origin: germline.
Comment: The ASAH1 c.195G>A variant is predicted to result in premature protein termination (p.Trp65*). In an alternate transcript (NM_177924.4), this variant is also known as c.147G>A (p.Trp49*). This variant has been listed in a literature review study of variants associated with acid ceramidase deficiency (ACD); however clinical or functional evidence was not provided (Elsea et al. 2020. PubMed ID: 32449975). This variant is reported in 0.0025% of alleles in individuals of European (Non-Finnish) descent in gnomAD. Nonsense variants in ASAH1 are expected to be pathogenic. This variant is interpreted as likely pathogenic.

GeneDx
Classification: Pathogenic. Last evaluated: 2025-11-07. Review status: criteria provided, single submitter. Criteria: GeneDx Variant Classification Process June 2021. Collection method: clinical testing. Allele origin: germline. Affected: yes.
Comment: Nonsense variant predicted to result in protein truncation or nonsense mediated decay in a gene for which loss of function is a known mechanism of disease; Reported in ClinVar as a known variant; no additional information provided (PMID: 32449975); Not observed at significant frequency in large population cohorts (gnomAD); This variant is associated with the following publications: (PMID: 31589614, 32449975)

Variantyx, Inc.
Classification: Pathogenic for Spinal muscular atrophy-progressive myoclonic epilepsy syndrome. Last evaluated: 2025-08-15. Review status: criteria provided, single submitter. Criteria: Variantyx Assertion Criteria 2022. Collection method: clinical testing. Allele origin: germline. Inheritance: Autosomal recessive inheritance. Affected: yes.
Comment: This is a nonsense variant in the ASAH1 gene (OMIM: 613468). Pathogenic variants in this gene have been associated with autosomal recessive spinal muscular atrophy with progressive myoclonic epilepsy. This variant introduces a premature termination codon in exon 3 out of 14 and is expected to result in loss of function, which is a known disease mechanism for ASAH1 in this disorder (PMID: 24164096) (PVS1). This variant has been identified in the homozygous or compound heterozygous state in at least one individual (internal data) (PM3) and has a 0.0037% maximum allele frequency in non-founder control populations (PM2). Based on the current evidence, this variant is classified as pathogenic for autosomal recessive spinal muscular atrophy with progressive myoclonic epilepsy.

Revvity Omics, Revvity
Classification: Likely pathogenic. Last evaluated: 2022-01-04. Review status: criteria provided, single submitter. Criteria: ACMG Guidelines, 2015. Collection method: clinical testing. Allele origin: germline.

Blueprint Genetics
Classification: Likely pathogenic for ASAH1-related disorders. Last evaluated: 2020-10-27. Review status: criteria provided, single submitter. Criteria: ACMG Guidelines, 2015. Collection method: clinical testing. Allele origin: germline. Affected: yes. Observed: 1 variant allele.

Literature cited by the submitters: PubMed 24164096 (cited by Labcorp Genetics (formerly Invitae), Labcorp and Variantyx, Inc.); PubMed 24355074 (cited by Labcorp Genetics (formerly Invitae), Labcorp).